The following is an entry in ClinVar:

NM_015259.6(ICOSLG):c.437C>G (p.Pro146Arg)

Gene: ICOSLG (inducible T cell costimulator ligand; minus strand). Cytogenetic location: 21q22.3.
Variant type: single nucleotide variant.
Coding change: c.437C>G on transcript NM_015259.6 (MANE Select); coding-DNA position 437, C replaced by G.
Protein change: p.Pro146Arg; replaces proline 146 with arginine.
Molecular consequence: missense variant.
Genome position (GRCh38, 1-based): chr21:44,235,532, G>C on the plus strand (C>G on the coding strand, the complement: ICOSLG is on the minus strand). VCF-style: chr21-44235532-G-C. GRCh37 (hg19) VCF-style: chr21-45655415-G-C.
Other names: c.437C>G, p.Pro146Arg (NM_001283050.2, NM_001395918.1); c.86C>G, p.Pro29Arg (NM_001283051.2); c.182C>G, p.Pro61Arg (NM_001283052.2); c.356C>G, p.Pro119Arg (NM_001365759.2); short protein forms P146R, P119R, P29R, P61R.
Identifiers: ClinVar variation 2087259 (VCV002087259.4), dbSNP rs773212703, ClinGen allele CA321497323.

ClinVar aggregate classification (germline): Uncertain significance (1 of 4 stars; one submission).

Allele frequency attached by ClinVar (database versions not stated): ExAC 0.00002.

Submission:

Labcorp Genetics (formerly Invitae), Labcorp
Classification: Uncertain significance. Last evaluated: 2022-08-27. Review status: criteria provided, single submitter. Criteria: Invitae Variant Classification Sherloc (09022015). Collection method: clinical testing. Allele origin: germline.
Comment: This variant is present in population databases (rs773212703, gnomAD 0.002%). This sequence change replaces proline, which is neutral and non-polar, with arginine, which is basic and polar, at codon 146 of the ICOSLG protein (p.Pro146Arg). This variant has not been reported in the literature in individuals affected with ICOSLG-related conditions. Algorithms developed to predict the effect of missense changes on protein structure and function are either unavailable or do not agree on the potential impact of this missense change (SIFT: "Tolerated"; PolyPhen-2: "Possibly Damaging"; Align-GVGD: "Class C0"). In summary, the available evidence is currently insufficient to determine the role of this variant in disease. Therefore, it has been classified as a Variant of Uncertain Significance.